The following is an entry in ClinVar:

ClinVar aggregate classification (germline): Benign/Likely benign. Review status: criteria provided, multiple submitters, no conflicts (2 of 4 stars). 3 submissions from 3 submitters: Benign (1); Likely benign (2). Last evaluated 2025-05-07.

Conditions:
Hereditary cancer-predisposing syndrome. Also called: Hereditary neoplastic syndrome; Hereditary Cancer Syndrome; Tumor predisposition; Neoplastic Syndromes, Hereditary. Identifiers: Orphanet 140162, MedGen C0027672, MeSH D009386, MONDO:0015356.
Renal cell carcinoma. Identifiers: Orphanet 217071, MedGen C0007134, MeSH D002292, MONDO:0005086, HP:0005584.
Papillary renal cell carcinoma type 1 (RCCP1). Also called: RENAL CELL CARCINOMA, PAPILLARY, 1, SOMATIC; Renal adenocarcinoma; Renal cell carcinoma 1; Renal cell carcinoma, somatic. Identifiers: Orphanet 47044, MedGen C1336839, OMIM 605074, HP:0011797.

Allele frequency attached by ClinVar (database versions not stated): gnomAD exomes below 0.00001; ExAC 0.00001; TOPMed 0.00001.

Submissions (3):

Labcorp Genetics (formerly Invitae), Labcorp
Classification: Likely benign for Renal cell carcinoma. Last evaluated: 2025-05-07. Review status: criteria provided, single submitter. Criteria: Invitae Variant Classification Sherloc (09022015). Collection method: clinical testing. Allele origin: germline.

Myriad Genetics, Inc.
Classification: Benign for Papillary renal cell carcinoma type 1. Last evaluated: 2024-11-08. Review status: criteria provided, single submitter. Criteria: Myriad Autosomal Dominant, Autosomal Recessive and X-Linked Classification Criteria (2023). Collection method: clinical testing. Allele origin: unknown.
Comment: This variant is considered benign. This variant is a silent/synonymous amino acid change and it is not expected to impact splicing.

Ambry Genetics
Classification: Likely benign for Hereditary cancer-predisposing syndrome. Last evaluated: 2022-11-25. Review status: criteria provided, single submitter. Criteria: Ambry Variant Classification Scheme 2023. Collection method: clinical testing. Allele origin: germline.

NM_000245.4(MET):c.1803T>C (p.Thr601=)

Gene: MET (MET proto-oncogene, receptor tyrosine kinase; plus strand). Cytogenetic location: 7q31.2.
Variant type: single nucleotide variant.
Coding change: c.1803T>C on transcript NM_000245.4 (MANE Select); coding-DNA position 1803, T replaced by C.
Protein change: p.Thr601=; no amino-acid change (threonine 601 retained).
Molecular consequence: synonymous variant.
Genome position (GRCh38, 1-based): chr7:116,755,456, T>C. VCF-style: chr7-116755456-T-C. GRCh37 (hg19) VCF-style: chr7-116395510-T-C.
Other names: c.1803T>C (NM_001127500.1); c.1803T>C, p.Thr601= (NM_001127500.3, NM_001324401.3); c.513T>C, p.Thr171= (NM_001324402.2).
Identifiers: ClinVar variation 1128244 (VCV001128244.11), dbSNP rs763481809, ClinGen allele CA4448280.